The following is an entry in ClinVar:

ClinVar aggregate classification (germline): Uncertain significance (1 of 4 stars; one submission).

Conditions:
Hereditary cancer-predisposing syndrome. Also called: Neoplastic Syndromes, Hereditary; Tumor predisposition; Hereditary neoplastic syndrome; Hereditary Cancer Syndrome. Identifiers: Orphanet 140162, MedGen C0027672, MeSH D009386, MONDO:0015356.

Submission:

Ambry Genetics
Classification: Uncertain significance for Hereditary cancer-predisposing syndrome. Last evaluated: 2018-09-20. Review status: criteria provided, single submitter. Criteria: Ambry Variant Classification Scheme 2023. Collection method: clinical testing. Allele origin: germline.
Comment: The c.4941_4943delAGT variant (also known as p.V1649del) is located in coding exon 32 of the ATM gene. This variant results from an in-frame AGT deletion at nucleotide positions 4941 to 4943. This results in the in-frame deletion of a valine at codon 1649. This amino acid position is well conserved in available vertebrate species. Since supporting evidence is limited at this time, the clinical significance of this alteration remains unclear.

NM_000051.4(ATM):c.4941_4943del (p.Val1649del)

Gene: ATM (ATM serine/threonine kinase; plus strand). Cytogenetic location: 11q22.3.
Variant type: Deletion.
Coding change: c.4941_4943del on transcript NM_000051.4 (MANE Select); coding-DNA positions 4941 to 4943, 3 bases deleted (AGT; older notation c.4941_4943delAGT).
Protein change: p.Val1649del; deletes valine 1649.
Molecular consequence: inframe deletion.
Genome position (GRCh38, 1-based): chr11:108,297,318-108,297,320, AGT deleted; deleting any 3 consecutive bases within chr11:108,297,317-108,297,320 gives the same sequence; the c. name uses the placement nearest the transcript's 3' end. VCF-style (leftmost placement, unchanged base first): chr11-108297316-CTAG-C. GRCh37 (hg19) VCF-style: chr11-108168043-CTAG-C.
Other names: c.4941_4943del, p.Val1649del (NM_001351834.2); short protein forms V1649del.
Identifiers: ClinVar variation 825314 (VCV000825314.4), dbSNP rs1591692664, ClinGen allele CA915944429.